The following is an entry in ClinVar:

NM_014956.5(CEP164):c.4131G>A (p.Pro1377=)

Gene: CEP164 (centrosomal protein 164; plus strand). Cytogenetic location: 11q23.3.
Variant type: single nucleotide variant.
Coding change: c.4131G>A on transcript NM_014956.5 (MANE Select); coding-DNA position 4131, G replaced by A.
Protein change: p.Pro1377=; no amino-acid change (proline 1377 retained).
Molecular consequence: synonymous variant.
Genome position (GRCh38, 1-based): chr11:117,410,862, G>A. VCF-style: chr11-117410862-G-A. GRCh37 (hg19) VCF-style: chr11-117281578-G-A.
Other names: c.4131G>A (NM_014956.4); c.4116G>A, p.Pro1372= (NM_001271933.2).
Identifiers: ClinVar variation 1157137 (VCV001157137.11), dbSNP rs141080271, ClinGen allele CA6295717.
Genomic context (GRCh38, chr11:117,410,862, plus strand): 5'-TGAGTCCTGTCCCCATGCTCTTCCAGCTGGCATCCCGCTGCTCAGCAACAGCCCCACCCC[G>A]CTGGAGAGCAGGCTGGGTTACATGTCTGCCAGGTGAGCCTCCCTGGGGGCTGGTTGGGGT-3'
Protein context (NP_055771.4, residues 1367-1387): GIPLLSNSPT[Pro1377=]LESRLGYMSA

ClinVar aggregate classification (germline): Likely benign. Review status: criteria provided, multiple submitters, no conflicts (2 of 4 stars). 3 submissions from 3 submitters: Likely benign (2). 1 of the submissions does not count toward it. Last evaluated 2025-12-25.

Conditions:
CEP164-related disorder. Also called: CEP164-related condition.
Nephronophthisis 15 (NPHP15). Identifiers: Orphanet 3156, MedGen C3541853, MONDO:0013917, OMIM 614845.

Allele frequency attached by ClinVar (database versions not stated): gnomAD 0.00027; ESP Exome Variant Server 0.00038; 1000 Genomes Project 0.00040; 1000 Genomes Project 30x 0.00062.
gnomAD v4.1: 119 of 1,613,258 alleles (0.0074%); highest among the groups gnomAD compares: Admixed American, 0.055%; no homozygotes.

Submissions (3):

Labcorp Genetics (formerly Invitae), Labcorp
Classification: Likely benign for Nephronophthisis 15. Last evaluated: 2025-12-25. Review status: criteria provided, single submitter. Criteria: Invitae Variant Classification Sherloc (09022015). Collection method: clinical testing. Allele origin: germline.

Blueprint Genetics
Classification: Likely benign. Last evaluated: 2023-09-21. Review status: criteria provided, single submitter. Criteria: ACMG Guidelines, 2015. Collection method: clinical testing. Allele origin: germline.

PreventionGenetics, part of Exact Sciences
Classification: Likely benign for CEP164-related condition. Last evaluated: 2024-09-03. Review status: no assertion criteria provided. Collection method: clinical testing. Allele origin: germline. Not counted in ClinVar's aggregate classification.
Comment: This variant is classified as likely benign based on ACMG/AMP sequence variant interpretation guidelines (Richards et al. 2015 PMID: 25741868, with internal and published modifications).